The following is an entry in ClinVar:

ClinVar aggregate classification (germline): Uncertain significance (1 of 4 stars; one submission).

gnomAD v4.1: 6 of 1,613,998 alleles (0.00037%); highest among the groups gnomAD compares: Non-Finnish European, 0.00051%; no homozygotes.

Submission:

GeneDx
Classification: Uncertain significance. Last evaluated: 2025-03-06. Review status: criteria provided, single submitter. Criteria: GeneDx Variant Classification Process June 2021. Collection method: clinical testing. Allele origin: germline. Affected: yes.
Comment: Not observed at significant frequency in large population cohorts (gnomAD); In silico analysis indicates that this missense variant does not alter protein structure/function; Has not been previously published as pathogenic or benign to our knowledge

NM_001348323.3(TRIP12):c.5258C>T (p.Ala1753Val)

Gene: TRIP12 (thyroid hormone receptor interactor 12; minus strand). Cytogenetic location: 2q36.3.
Variant type: single nucleotide variant.
Coding change: c.5258C>T on transcript NM_001348323.3 (MANE Select); coding-DNA position 5258, C replaced by T.
Protein change: p.Ala1753Val; replaces alanine 1753 with valine.
Molecular consequence: missense variant.
Genome position (GRCh38, 1-based): chr2:229,778,539, G>A on the plus strand (C>T on the coding strand, the complement: TRIP12 is on the minus strand). VCF-style: chr2-229778539-G-A. GRCh37 (hg19) VCF-style: chr2-230643255-G-A.
Other names: c.5243C>T, p.Ala1748Val (NM_001348320.2, NM_001348319.1); c.5246C>T, p.Ala1749Val (NM_001348321.1); c.5258C>T, p.Ala1753Val (NM_001348322.1, NM_001348324.2, NM_001348325.2 and 2 more transcripts); c.5261C>T, p.Ala1754Val (NM_001348328.1, NM_001348329.2, NM_001348330.2); c.5177C>T, p.Ala1726Val (NM_001284214.2, NM_001348315.2); c.5132C>T, p.Ala1711Val (NM_001284215.2, NM_001348316.2); c.4223C>T, p.Ala1408Val (NM_001284216.2); c.5117C>T, p.Ala1706Val (NM_001348317.1, NM_001348318.2); and 4 more; short protein forms A1408V, A1678V, A1679V, A1706V, A1711V, A1719V, A1726V, A1727V.
Identifiers: ClinVar variation 4082762 (VCV004082762.1).